The following is an entry in ClinVar:

ClinVar aggregate classification (germline): Likely benign. Review status: criteria provided, multiple submitters, no conflicts (2 of 4 stars). 3 submissions from 3 submitters: Likely benign (3). Last evaluated 2025-12-13.

Conditions:
Hereditary cancer-predisposing syndrome. Also called: Neoplastic Syndromes, Hereditary; Hereditary neoplastic syndrome; Tumor predisposition; Hereditary Cancer Syndrome. Identifiers: Orphanet 140162, MedGen C0027672, MeSH D009386, MONDO:0015356.
Retinoblastoma (RB1). Also called: RETINOBLASTOMA, SOMATIC. Identifiers: Orphanet 790, MedGen C0035335, MeSH D012175, MONDO:0008380, OMIM 180200, HP:0009919. Disease mechanism: loss of function. Inheritance: Both sporadic and heritable forms are tested..

Allele frequency attached by ClinVar (database versions not stated): TOPMed below 0.00001; gnomAD 0.00001.
gnomAD v4.1: 3 of 1,458,770 alleles (0.00021%); highest among the groups gnomAD compares: East Asian, 0.0029%; no homozygotes.

Submissions (3):

Labcorp Genetics (formerly Invitae), Labcorp
Classification: Likely benign for Retinoblastoma. Last evaluated: 2025-12-13. Review status: criteria provided, single submitter. Criteria: Invitae Variant Classification Sherloc (09022015). Collection method: clinical testing. Allele origin: germline.

CeGaT Center for Human Genetics Tuebingen
Classification: Likely benign. Last evaluated: 2024-03-01. Review status: criteria provided, single submitter. Criteria: CeGaT Center For Human Genetics Tuebingen Variant Classification Criteria Version 2. Collection method: clinical testing. Allele origin: germline. Affected: yes. Observed: 1 variant allele.
Comment: RB1: BP4, BP7

Ambry Genetics
Classification: Likely benign for Hereditary cancer-predisposing syndrome. Last evaluated: 2021-07-29. Review status: criteria provided, single submitter. Criteria: Ambry Variant Classification Scheme 2023. Collection method: clinical testing. Allele origin: germline.

NM_000321.3(RB1):c.124C>T (p.Leu42=)

Gene: RB1 (RB transcriptional corepressor 1; plus strand). Cytogenetic location: 13q14.2.
Variant type: single nucleotide variant.
Coding change: c.124C>T on transcript NM_000321.3 (MANE Select); coding-DNA position 124, C replaced by T.
Protein change: p.Leu42=; no amino-acid change (leucine 42 retained).
Molecular consequence: synonymous variant.
Genome position (GRCh38, 1-based): chr13:48,304,036, C>T. VCF-style: chr13-48304036-C-T. GRCh37 (hg19) VCF-style: chr13-48878172-C-T.
Identifiers: ClinVar variation 1601974 (VCV001601974.32), dbSNP rs1312883856, ClinGen allele CA483711654.